The following is an entry in ClinVar:

NM_000169.3(GLA):c.919G>A (p.Ala307Thr)

Genes: GLA (galactosidase alpha; minus strand), RPL36A-HNRNPH2 (RPL36A-HNRNPH2 readthrough; plus strand). Cytogenetic location: Xq22.1.
Variant type: single nucleotide variant.
Coding change: c.919G>A on transcript NM_000169.3 (MANE Select); coding-DNA position 919, G replaced by A.
Protein change: p.Ala307Thr; replaces alanine 307 with threonine.
Molecular consequence: missense variant. On other transcripts: non-coding transcript variant (3), intron variant (2).
Genome position (GRCh38, 1-based): chrX:101,398,450, C>T on the plus strand (G>A on the coding strand, the complement: GLA is on the minus strand). VCF-style: chrX-101398450-C-T. GRCh37 (hg19) VCF-style: chrX-100653438-C-T.
Other names: c.1042G>A, p.Ala348Thr (NM_001406747.1); c.919G>A, p.Ala307Thr (NM_001406748.1); c.300+2993C>T (NM_001199973.2); c.177+6628C>T (NM_001199974.2); short protein forms A307T, A348T.
Identifiers: ClinVar variation 4087580 (VCV004087580.2).

ClinVar aggregate classification (germline): Uncertain significance (1 of 4 stars; one submission).

Conditions:
Fabry disease. Also called: ALPHA-GALACTOSIDASE A DEFICIENCY; ANDERSON-FABRY DISEASE; CERAMIDE TRIHEXOSIDASE DEFICIENCY; GLA DEFICIENCY; HEREDITARY DYSTOPIC LIPIDOSIS; Angiokeratoma corporis diffusum. Identifiers: Orphanet 324, MedGen C0002986, MONDO:0010526, OMIM 301500, HP:0001071. Disease mechanism: Fabry disease is due to inactivating mutations in the X-linked GLA gene resulting in deficiency of the enzyme Alpha Galactosidase-A., loss of function.

gnomAD v4.1: 2 of 1,208,845 alleles (0.00017%); highest among the groups gnomAD compares: Non-Finnish European, 0.00022%; no homozygotes.

Submission:

Genomenon, Inc
Classification: Uncertain significance for Fabry disease. Last evaluated: 2026-09-08. Review status: criteria provided, single submitter. Criteria: Genomenon Sequence Variant Interpretation Standards - Updated. Collection method: curation. Allele origin: germline. Affected: no.
Comment: GLA p.Ala307Thr (c.919G>A) is a missense variant that changes the amino acid at codon 307 from Alanine to Threonine. This variant has been reported in the published literature (PMID:27657681). It is absent or not present at a significant frequency in gnomAD. In conclusion, we classify GLA p.Ala307Thr (c.919G>A) as a variant of uncertain significance.

Literature cited by the submitters: PubMed 27657681.